The following is an entry in ClinVar:

ClinVar aggregate classification (germline): Pathogenic/Likely pathogenic. Review status: criteria provided, multiple submitters, no conflicts (2 of 4 stars). 2 submissions from 2 submitters: Pathogenic (1); Likely pathogenic (1). Last evaluated 2025-01-15.

Conditions:
GATA binding protein 1 related thrombocytopenia with dyserythropoiesis. Also called: GATA1-Related Cytopenia; GATA1-Related X-Linked Cytopenia. Identifiers: MedGen C1845837, MONDO:0100089.
Diamond-Blackfan anemia. Also called: Blackfan Diamond syndrome; Aregenerative anemia chronic congenital; Red cell aplasia, pure hereditary; Congenital hypoplastic anemia; Aase syndrome. Identifiers: Orphanet 124, MedGen C1260899, MeSH D029503, MONDO:0015253, HP:0004810.

Submissions (2):

Labcorp Genetics (formerly Invitae), Labcorp
Classification: Pathogenic for GATA binding protein 1 related thrombocytopenia with dyserythropoiesis; Diamond-Blackfan anemia. Last evaluated: 2025-01-15. Review status: criteria provided, single submitter. Criteria: Invitae Variant Classification Sherloc (09022015). Collection method: clinical testing. Allele origin: germline.
Comment: This sequence change affects a donor splice site in intron 2 of the GATA1 gene. It is expected to disrupt RNA splicing. Variants that disrupt the donor or acceptor splice site typically lead to a loss of protein function (PMID: 16199547), and loss-of-function variants in GATA1 are known to be pathogenic (PMID: 16783379, 22706301, 23704091, 24453067). This variant is not present in population databases (gnomAD no frequency). Disruption of this splice site has been observed in individual(s) with acute myeloid leukemia, clinical features of GATA1-related conditions, and/or macrocytic anemia (PMID: 31606922, 35328001). In at least one individual the variant was observed to be de novo. ClinVar contains an entry for this variant (Variation ID: 1705970). Algorithms developed to predict the effect of sequence changes on RNA splicing suggest that this variant may disrupt the consensus splice site. For these reasons, this variant has been classified as Pathogenic.

Mayo Clinic Laboratories, Mayo Clinic
Classification: Likely pathogenic. Last evaluated: 2021-10-19. Review status: criteria provided, single submitter. Criteria: ACMG Guidelines, 2015. Collection method: clinical testing. Allele origin: germline.
Comment: PM2, PVS1_strong

Literature cited by the submitters: PubMed 16199547 (cited by Labcorp Genetics (formerly Invitae), Labcorp); PubMed 16783379 (cited by Labcorp Genetics (formerly Invitae), Labcorp); PubMed 22706301 (cited by Labcorp Genetics (formerly Invitae), Labcorp); PubMed 23704091 (cited by Labcorp Genetics (formerly Invitae), Labcorp); PubMed 24453067 (cited by Labcorp Genetics (formerly Invitae), Labcorp); PubMed 31606922 (cited by Labcorp Genetics (formerly Invitae), Labcorp and Mayo Clinic Laboratories, Mayo Clinic); PubMed 35328001 (cited by Labcorp Genetics (formerly Invitae), Labcorp); PubMed 33997957 (cited by Mayo Clinic Laboratories, Mayo Clinic).

NM_002049.4(GATA1):c.220+2T>C

Gene: GATA1 (GATA binding protein 1; plus strand). Cytogenetic location: Xp11.23.
Variant type: single nucleotide variant.
Coding change: c.220+2T>C on transcript NM_002049.4 (MANE Select); the canonical splice donor site of the intron after coding-DNA position 220, T replaced by C.
Molecular consequence: splice donor variant.
Genome position (GRCh38, 1-based): chrX:48,791,331, T>C. VCF-style: chrX-48791331-T-C. GRCh37 (hg19) VCF-style: chrX-48649738-T-C.
Identifiers: ClinVar variation 1705970 (VCV001705970.6), dbSNP rs2519343917, ClinGen allele CA412867320.